The following is an entry in ClinVar:

ClinVar aggregate classification (germline): Likely benign. Review status: criteria provided, multiple submitters, no conflicts (2 of 4 stars). 4 submissions from 4 submitters: Likely benign (4). Last evaluated 2026-04-07.

Conditions:
Hereditary cancer-predisposing syndrome. Also called: Tumor predisposition; Hereditary neoplastic syndrome; Neoplastic Syndromes, Hereditary; Hereditary Cancer Syndrome. Identifiers: Orphanet 140162, MedGen C0027672, MeSH D009386, MONDO:0015356.

Submissions (4):

Women's Health and Genetics/Laboratory Corporation of America, LabCorp
Classification: Likely benign. Last evaluated: 2026-04-07. Review status: criteria provided, single submitter. Criteria: LabCorp Variant Classification Summary - May 2015. Collection method: clinical testing. Allele origin: germline.

Ambry Genetics
Classification: Likely benign for Hereditary cancer-predisposing syndrome. Last evaluated: 2021-02-18. Review status: criteria provided, single submitter. Criteria: Ambry Variant Classification Scheme 2023. Collection method: clinical testing. Allele origin: germline.

Color Diagnostics, LLC DBA Color Health
Classification: Likely benign for Hereditary cancer-predisposing syndrome. Last evaluated: 2018-12-14. Review status: criteria provided, single submitter. Criteria: ACMG Guidelines, 2015. Collection method: clinical testing. Allele origin: germline.

GeneDx
Classification: Likely benign. Last evaluated: 2016-11-25. Review status: criteria provided, single submitter. Criteria: GeneDx Variant Classification (06012015). Collection method: clinical testing. Allele origin: germline. Affected: yes.
Comment: This variant is considered likely benign or benign based on one or more of the following criteria: it is a conservative change, it occurs at a poorly conserved position in the protein, it is predicted to be benign by multiple in silico algorithms, and/or has population frequency not consistent with disease.

NM_000059.4(BRCA2):c.7296A>G (p.Arg2432=)

Gene: BRCA2 (BRCA2 DNA repair associated; plus strand). Cytogenetic location: 13q13.1.
Variant type: single nucleotide variant.
Coding change: c.7296A>G on transcript NM_000059.4 (MANE Select); coding-DNA position 7296, A replaced by G.
Protein change: p.Arg2432=; no amino-acid change (arginine 2432 retained).
Molecular consequence: synonymous variant.
Genome position (GRCh38, 1-based): chr13:32,355,149, A>G. VCF-style: chr13-32355149-A-G. GRCh37 (hg19) VCF-style: chr13-32929286-A-G.
Identifiers: ClinVar variation 391335 (VCV000391335.6), dbSNP rs1057524039, ClinGen allele CA16606437.